The following is an entry in ClinVar:

NM_201596.3(CACNB2):c.503G>A (p.Cys168Tyr)

Gene: CACNB2 (calcium voltage-gated channel auxiliary subunit beta 2; plus strand). Cytogenetic location: 10p12.31.
Variant type: single nucleotide variant.
Coding change: c.503G>A on transcript NM_201596.3 (MANE Select); coding-DNA position 503, G replaced by A.
Protein change: p.Cys168Tyr; replaces cysteine 168 with tyrosine.
Molecular consequence: missense variant.
Genome position (GRCh38, 1-based): chr10:18,500,858, G>A. VCF-style: chr10-18500858-G-A. GRCh37 (hg19) VCF-style: chr10-18789787-G-A.
Other names: c.338G>A, p.Cys113Tyr (NM_000724.4, NM_001330060.2); c.419G>A, p.Cys140Tyr (NM_001167945.2, NM_201571.4, NM_201572.4); c.359G>A, p.Cys120Tyr (NM_201570.3); c.341G>A, p.Cys114Tyr (NM_201590.3); c.503G>A, p.Cys168Tyr (NM_201593.3, NM_201597.3); short protein forms C140Y, C168Y, C113Y, C114Y, C120Y.
Identifiers: ClinVar variation 691656 (VCV000691656.11), dbSNP rs773215003, ClinGen allele CA5429642.

ClinVar aggregate classification (germline): Conflicting classifications of pathogenicity. Review status: criteria provided, conflicting classifications (1 of 4 stars). 4 submissions from 4 submitters: Uncertain significance (3); Likely benign (1). Last evaluated 2025-05-16.

Conditions:
Arrhythmogenic right ventricular cardiomyopathy (ARVD). Also called: Arrhythmogenic cardiomyopathy; Cardiomyopathy, ARVC; Arrhythmogenic right ventricular dysplasia; Arrhythmogenic Right Ventricular Cardiomyopathy (ARVC). Identifiers: Orphanet 247, MedGen C0349788, MeSH D019571, MONDO:0016587. Disease mechanism: loss of function. Inheritance: Various modes of inheritance.
Cardiovascular phenotype. Identifiers: MedGen CN230736.
Brugada syndrome 4 (BRGDA4). Identifiers: Orphanet 130, MedGen C2678477, MONDO:0012743, OMIM 611876.

Allele frequency attached by ClinVar (database versions not stated): gnomAD 0.00001; gnomAD exomes 0.00002; TOPMed 0.00002; ExAC 0.00004.

Submissions (4):

Ambry Genetics
Classification: Likely benign for Cardiovascular phenotype. Last evaluated: 2025-05-16. Review status: criteria provided, single submitter. Criteria: Ambry Variant Classification Scheme 2023. Collection method: clinical testing. Allele origin: germline.

Labcorp Genetics (formerly Invitae), Labcorp
Classification: Uncertain significance for Brugada syndrome 4. Last evaluated: 2024-04-29. Review status: criteria provided, single submitter. Criteria: Invitae Variant Classification Sherloc (09022015). Collection method: clinical testing. Allele origin: germline.
Comment: This sequence change replaces cysteine, which is neutral and slightly polar, with tyrosine, which is neutral and polar, at codon 114 of the CACNB2 protein (p.Cys114Tyr). This variant is present in population databases (rs773215003, gnomAD 0.01%). This variant has not been reported in the literature in individuals affected with CACNB2-related conditions. ClinVar contains an entry for this variant (Variation ID: 691656). Advanced modeling of protein sequence and biophysical properties (such as structural, functional, and spatial information, amino acid conservation, physicochemical variation, residue mobility, and thermodynamic stability) performed at Invitae indicates that this missense variant is expected to disrupt CACNB2 protein function with a positive predictive value of 80%. In summary, the available evidence is currently insufficient to determine the role of this variant in disease. Therefore, it has been classified as a Variant of Uncertain Significance.

AiLife Diagnostics
Classification: Uncertain significance. Last evaluated: 2020-07-07. Review status: criteria provided, single submitter. Criteria: ACMG Guidelines, 2015. Collection method: clinical testing. Allele origin: germline. Affected: yes. Observed: 1 variant allele.

Center for Advanced Laboratory Medicine, UC San Diego Health, University of California San Diego
Classification: Uncertain significance for Arrhythmogenic right ventricular cardiomyopathy. Last evaluated: 2017-08-30. Review status: criteria provided, single submitter. Criteria: ACMG Guidelines, 2015. Collection method: clinical testing. Allele origin: germline. Affected: yes. Observed: 1 variant allele.